The following is an entry in ClinVar:

NM_018043.7(ANO1):c.2109C>T (p.His703=)

Gene: ANO1 (anoctamin 1; plus strand). Cytogenetic location: 11q13.3.
Variant type: single nucleotide variant.
Coding change: c.2109C>T on transcript NM_018043.7 (MANE Select); coding-DNA position 2109, C replaced by T.
Protein change: p.His703=; no amino-acid change (histidine 703 retained).
Molecular consequence: synonymous variant. On other transcripts: non-coding transcript variant (1).
Genome position (GRCh38, 1-based): chr11:70,167,299, C>T. VCF-style: chr11-70167299-C-T. GRCh37 (hg19) VCF-style: chr11-70013405-C-T.
Other names: c.2298C>T, p.His766= (NM_001378092.1); c.2097C>T, p.His699= (NM_001378093.1, NM_001378094.2, NM_001378095.2); c.2019C>T, p.His673= (NM_001378096.2); c.1932C>T, p.His644= (NM_001378097.2).
Identifiers: ClinVar variation 773248 (VCV000773248.22), dbSNP rs200463172, ClinGen allele CA6158047.

ClinVar aggregate classification (germline): Likely benign. Review status: criteria provided, multiple submitters, no conflicts (2 of 4 stars). 3 submissions from 3 submitters: Likely benign (3). Last evaluated 2026-01-01.

Allele frequency attached by ClinVar (database versions not stated): 1000 Genomes Project 30x 0.00031; 1000 Genomes Project 0.00040; gnomAD 0.00073; gnomAD exomes 0.00089 and 0.00122; TOPMed 0.00096; ESP Exome Variant Server 0.00114.
gnomAD v4.1: 1,912 of 1,613,968 alleles (0.12%); highest among the groups gnomAD compares: Middle Eastern, 0.15%; 1 homozygote.

Submissions (3):

CeGaT Center for Human Genetics Tuebingen
Classification: Likely benign. Last evaluated: 2026-01-01. Review status: criteria provided, single submitter. Criteria: CeGaT Center For Human Genetics Tuebingen Variant Classification Criteria Version 2. Collection method: clinical testing. Allele origin: germline. Affected: yes. Observed: 4 variant alleles.
Comment: ANO1: BP4, BP7

Labcorp Genetics (formerly Invitae), Labcorp
Classification: Likely benign. Last evaluated: 2018-07-06. Review status: criteria provided, single submitter. Criteria: Invitae Variant Classification Sherloc (09022015). Collection method: clinical testing. Allele origin: germline.

Breakthrough Genomics
Classification: Likely benign. Review status: criteria provided, single submitter. Criteria: ACMG Guidelines, 2015. Collection method: not provided. Allele origin: germline. Inheritance: Autosomal recessive inheritance. Affected: yes.